The following is an entry in ClinVar:

NM_002439.5(MSH3):c.367A>G (p.Lys123Glu)

Gene: MSH3 (mutS homolog 3; plus strand). Cytogenetic location: 5q14.1.
Variant type: single nucleotide variant.
Coding change: c.367A>G on transcript NM_002439.5 (MANE Select); coding-DNA position 367, A replaced by G.
Protein change: p.Lys123Glu; replaces lysine 123 with glutamic acid.
Molecular consequence: missense variant.
Genome position (GRCh38, 1-based): chr5:80,665,151, A>G. VCF-style: chr5-80665151-A-G. GRCh37 (hg19) VCF-style: chr5-79960970-A-G.
Other names: short protein forms K123E.
Identifiers: ClinVar variation 2090681 (VCV002090681.4), dbSNP rs2546717320, ClinGen allele CA360262948.

ClinVar aggregate classification (germline): Uncertain significance (1 of 4 stars; one submission).

Submission:

Labcorp Genetics (formerly Invitae), Labcorp
Classification: Uncertain significance. Last evaluated: 2022-07-12. Review status: criteria provided, single submitter. Criteria: Invitae Variant Classification Sherloc (09022015). Collection method: clinical testing. Allele origin: germline.
Comment: In summary, the available evidence is currently insufficient to determine the role of this variant in disease. Therefore, it has been classified as a Variant of Uncertain Significance. Algorithms developed to predict the effect of missense changes on protein structure and function (SIFT, PolyPhen-2, Align-GVGD) all suggest that this variant is likely to be tolerated. This variant has not been reported in the literature in individuals affected with MSH3-related conditions. This variant is not present in population databases (gnomAD no frequency). This sequence change replaces lysine, which is basic and polar, with glutamic acid, which is acidic and polar, at codon 123 of the MSH3 protein (p.Lys123Glu).